The following is an entry in ClinVar:

ClinVar aggregate classification (germline): Uncertain significance (1 of 4 stars; one submission).

Submission:

Labcorp Genetics (formerly Invitae), Labcorp
Classification: Uncertain significance. Last evaluated: 2020-11-14. Review status: criteria provided, single submitter. Criteria: Invitae Variant Classification Sherloc (09022015). Collection method: clinical testing. Allele origin: germline.
Comment: Algorithms developed to predict the effect of missense changes on protein structure and function are either unavailable or do not agree on the potential impact of this missense change (SIFT: "Deleterious"; PolyPhen-2: "Possibly Damaging"; Align-GVGD: "Class C0"). In summary, the available evidence is currently insufficient to determine the role of this variant in disease. Therefore, it has been classified as a Variant of Uncertain Significance. This variant has not been reported in the literature in individuals with KMT2A-related conditions. This variant is not present in population databases (ExAC no frequency). This sequence change replaces glutamic acid with glutamine at codon 1099 of the KMT2A protein (p.Glu1099Gln). The glutamic acid residue is moderately conserved and there is a small physicochemical difference between glutamic acid and glutamine.

NM_001197104.2(KMT2A):c.3295G>C (p.Glu1099Gln)

Gene: KMT2A (lysine methyltransferase 2A; plus strand). Cytogenetic location: 11q23.3.
Variant type: single nucleotide variant.
Coding change: c.3295G>C on transcript NM_001197104.2 (MANE Select); coding-DNA position 3295, G replaced by C.
Protein change: p.Glu1099Gln; replaces glutamic acid 1099 with glutamine.
Molecular consequence: missense variant.
Genome position (GRCh38, 1-based): chr11:118,476,943, G>C. VCF-style: chr11-118476943-G-C. GRCh37 (hg19) VCF-style: chr11-118347658-G-C.
Other names: c.3295G>C, p.Glu1099Gln (NM_005933.4); short protein forms E1099Q.
Identifiers: ClinVar variation 1499716 (VCV001499716.8), dbSNP rs2134282734, ClinGen allele CA382824036.